The following is an entry in ClinVar:

ClinVar aggregate classification (germline): Pathogenic. Review status: criteria provided, multiple submitters, no conflicts (2 of 4 stars). 3 submissions from 3 submitters: Pathogenic (3). Last evaluated 2025-10-02.

Conditions:
Polycystic kidney disease, adult type (PKD1). Also called: Polycystic Kidney Disease 1, Autosomal Dominant; Polycystic kidney disease 1; Polycystic kidney disease 1, severe; POLYCYSTIC KIDNEY DISEASE, ADULT, TYPE I; Polycystic Kidney, Autosomal Dominant; POLYCYSTIC KIDNEY DISEASE 1 WITH OR WITHOUT POLYCYSTIC LIVER DISEASE. Identifiers: MedGen C3149841, MONDO:0008263, OMIM 173900.

Submissions (3):

GeneDx
Classification: Pathogenic. Last evaluated: 2025-10-02. Review status: criteria provided, single submitter. Criteria: GeneDx Variant Classification Process June 2021. Collection method: clinical testing. Allele origin: germline. Affected: yes.
Comment: Canonical splice site variant predicted to result in a null allele in a gene for which loss of function is a known mechanism of disease; Not observed at significant frequency in large population cohorts (gnomAD); This variant is associated with the following publications: (PMID: 34008892, 32457805)

Fulgent Genetics
Classification: Pathogenic for Polycystic kidney disease, adult type. Last evaluated: 2022-04-12. Review status: criteria provided, single submitter. Criteria: ACMG Guidelines, 2015. Collection method: clinical testing. Allele origin: unknown.

Laboratory of Medical Genetics, National & Kapodistrian University of Athens
Classification: Pathogenic for Polycystic kidney disease, adult type. Last evaluated: 2021-08-10. Review status: criteria provided, single submitter. Criteria: ACMG Guidelines, 2015. Collection method: clinical testing. Allele origin: unknown. Affected: yes.
Comment: PVS1, PM2, PP3

Literature cited by the submitters: PubMed 34008892 (cited by Laboratory of Medical Genetics, National & Kapodistrian University of Athens).

NM_001009944.3(PKD1):c.9201+1G>A

Gene: PKD1 (polycystin 1, transient receptor potential channel interacting; minus strand). Cytogenetic location: 16p13.3.
Variant type: single nucleotide variant.
Coding change: c.9201+1G>A on transcript NM_001009944.3 (MANE Select); the canonical splice donor site of the intron after coding-DNA position 9201, G replaced by A.
Molecular consequence: splice donor variant.
Genome position (GRCh38, 1-based): chr16:2,102,380, C>T on the plus strand (G>A on the coding strand, the complement: PKD1 is on the minus strand). VCF-style: chr16-2102380-C-T. GRCh37 (hg19) VCF-style: chr16-2152381-C-T.
Other names: c.9201+1G>A (NM_000296.4).
Identifiers: ClinVar variation 1299529 (VCV001299529.3), dbSNP rs2151749304, ClinGen allele CA394358393.